The following is an entry in ClinVar:

NM_000548.5(TSC2):c.4919A>G (p.His1640Arg)

Gene: TSC2 (TSC complex subunit 2; plus strand). Cytogenetic location: 16p13.3.
Variant type: single nucleotide variant.
Coding change: c.4919A>G on transcript NM_000548.5 (MANE Select); coding-DNA position 4919, A replaced by G.
Protein change: p.His1640Arg; replaces histidine 1640 with arginine.
Molecular consequence: missense variant.
Genome position (GRCh38, 1-based): chr16:2,086,801, A>G. VCF-style: chr16-2086801-A-G. GRCh37 (hg19) VCF-style: chr16-2136802-A-G.
Other names: c.4718A>G, p.His1573Arg (NM_001077183.3); c.4850A>G, p.His1617Arg (NM_001114382.3); c.4610A>G, p.His1537Arg (NM_001318827.2); c.4574A>G, p.His1525Arg (NM_001318829.2); c.4187A>G, p.His1396Arg (NM_001318831.2); c.4751A>G, p.His1584Arg (NM_001318832.2); c.4721A>G, p.His1574Arg (NM_001363528.2); c.4787A>G, p.His1596Arg (NM_001370404.1); and 1 more; short protein forms H1640R, H1537R, H1573R, H1396R, H1525R, H1574R, H1584R, H1596R.
Identifiers: ClinVar variation 547828 (VCV000547828.3), dbSNP rs794727602, ClinGen allele CA394308553.
Genomic context (GRCh38, chr16:2,086,801, plus strand): 5'-ACATCGCCACCCTGATGCCCACCAAGGACGTGGACAAGCACCGCTGCGACAAGAAGCGCC[A>G]CCTGGGCAACGACTTTGTGTCCATTGTCTACAATGACTCCGGTGAGGACTTCAAGCTTGG-3'
Protein context (NP_000539.2, residues 1630-1650): VDKHRCDKKR[His1640Arg]LGNDFVSIVY

ClinVar aggregate classification (germline): Likely pathogenic. Review status: criteria provided, multiple submitters, no conflicts (2 of 4 stars). 2 submissions from 2 submitters: Likely pathogenic (2). Last evaluated 2017-09-01.

Conditions:
Tuberous sclerosis 2 (TSC2). Identifiers: Orphanet 805, MedGen C1860707, MONDO:0013199, OMIM 613254.
Hereditary cancer-predisposing syndrome. Also called: Neoplastic Syndromes, Hereditary; Hereditary neoplastic syndrome; Tumor predisposition; Hereditary Cancer Syndrome. Identifiers: Orphanet 140162, MedGen C0027672, MeSH D009386, MONDO:0015356.

Submissions (2):

Ambry Genetics
Classification: Likely pathogenic for Hereditary cancer-predisposing syndrome. Last evaluated: 2017-09-01. Review status: criteria provided, single submitter. Criteria: Ambry Variant Classification Scheme 2023. Collection method: clinical testing. Allele origin: germline.
Comment: The p.H1640R variant (also known as c.4919A>G), located in coding exon 37 of the TSC2 gene, results from an A to G substitution at nucleotide position 4919. The histidine at codon 1640 is replaced by arginine, an amino acid with highly similar properties. This alteration was identified in at least one individual meeting diagnostic criteria for tuberous sclerosis (Ambry internal data). Internal structural analysis indicates that this variant disrupts a known functional residue in a related paralog (Ambry internal data; Daumke O et al. Nature, 2004 May;429:197-201). This amino acid position is highly conserved in available vertebrate species. In addition, this alteration is predicted to be deleterious by in silico analysis. Based on the majority of available evidence to date, this variant is likely to be pathogenic.

Center for Human Genetics, Inc
Classification: Likely pathogenic for Tuberous sclerosis 2. Last evaluated: 2016-11-01. Review status: criteria provided, single submitter. Criteria: ACMG Guidelines, 2015. Collection method: clinical testing. Allele origin: germline. Affected: yes.

Literature cited by the submitters: PubMed 15141215 (cited by Ambry Genetics).